The following is an entry in ClinVar:

NM_000059.4(BRCA2):c.866A>G (p.Asn289Ser)

Gene: BRCA2 (BRCA2 DNA repair associated; plus strand). Cytogenetic location: 13q13.1.
Variant type: single nucleotide variant.
Coding change: c.866A>G on transcript NM_000059.4 (MANE Select); coding-DNA position 866, A replaced by G.
Protein change: p.Asn289Ser; replaces asparagine 289 with serine.
Molecular consequence: missense variant.
Genome position (GRCh38, 1-based): chr13:32,332,344, A>G. VCF-style: chr13-32332344-A-G. GRCh37 (hg19) VCF-style: chr13-32906481-A-G.
Other names: short protein forms N289S.
Identifiers: ClinVar variation 664495 (VCV000664495.11), dbSNP rs1593891336, ClinGen allele CA387760584.
Genomic context (GRCh38, chr13:32,332,344, plus strand): 5'-CATCAGGGAATTCATTTAAAGTAAATAGCTGCAAAGACCACATTGGAAAGTCAATGCCAA[A>G]TGTCCTAGAAGATGAAGTATATGAAACAGTTGTAGATACCTCTGAAGAAGATAGTTTTTC-3'
Protein context (NP_000050.3, residues 279-299): CKDHIGKSMP[Asn289Ser]VLEDEVYETV

ClinVar aggregate classification (germline): Conflicting classifications of pathogenicity. Review status: criteria provided, conflicting classifications (1 of 4 stars). 3 submissions from 3 submitters: Uncertain significance (2); Likely benign (1). Last evaluated 2024-12-16.

Conditions:
Hereditary cancer-predisposing syndrome. Also called: Tumor predisposition; Hereditary neoplastic syndrome; Neoplastic Syndromes, Hereditary; Hereditary Cancer Syndrome. Identifiers: Orphanet 140162, MedGen C0027672, MeSH D009386, MONDO:0015356.
Hereditary breast ovarian cancer syndrome. Also called: BRCA1- and BRCA2-Associated Hereditary Breast and Ovarian Cancer; Breast and ovarian cancer; Hereditary breast and ovarian cancer syndrome (HBOC); Hereditary breast and ovarian cancer; Hereditary breast and ovarian cancer syndrome; Hereditary breast and/or ovarian cancer syndrome. Identifiers: Orphanet 145, MedGen C0677776, MeSH D061325, MONDO:0003582. Disease mechanism: loss of function.

gnomAD v4.1: 1 of 1,598,510 alleles (0.000063%); no homozygotes.

Submissions (3):

Labcorp Genetics (formerly Invitae), Labcorp
Classification: Uncertain significance for Hereditary breast ovarian cancer syndrome. Last evaluated: 2024-12-16. Review status: criteria provided, single submitter. Criteria: Invitae Variant Classification Sherloc (09022015). Collection method: clinical testing. Allele origin: germline.
Comment: This sequence change replaces asparagine, which is neutral and polar, with serine, which is neutral and polar, at codon 289 of the BRCA2 protein (p.Asn289Ser). This variant is not present in population databases (gnomAD no frequency). This variant has not been reported in the literature in individuals affected with BRCA2-related conditions. ClinVar contains an entry for this variant (Variation ID: 664495). Invitae Evidence Modeling of protein sequence and biophysical properties (such as structural, functional, and spatial information, amino acid conservation, physicochemical variation, residue mobility, and thermodynamic stability) indicates that this missense variant is not expected to disrupt BRCA2 protein function with a negative predictive value of 95%. In summary, the available evidence is currently insufficient to determine the role of this variant in disease. Therefore, it has been classified as a Variant of Uncertain Significance.

Ambry Genetics
Classification: Uncertain significance for Hereditary cancer-predisposing syndrome. Last evaluated: 2024-12-14. Review status: criteria provided, single submitter. Criteria: Ambry Variant Classification Scheme 2023. Collection method: clinical testing. Allele origin: germline.
Comment: The p.N289S variant (also known as c.866A>G), located in coding exon 9 of the BRCA2 gene, results from an A to G substitution at nucleotide position 866. The asparagine at codon 289 is replaced by serine, an amino acid with highly similar properties. This amino acid position is not well conserved in available vertebrate species. In addition, this alteration is predicted to be tolerated by in silico analysis. Since supporting evidence is limited at this time, the clinical significance of this alteration remains unclear.

University of Washington Department of Laboratory Medicine, University of Washington
Classification: Likely benign for Hereditary cancer-predisposing syndrome. Last evaluated: 2023-03-23. Review status: criteria provided, single submitter. Criteria: Dines et al. (Genet Med. 2020). Collection method: curation. Allele origin: germline.
Comment: Missense variant in a coldspot region where missense variants are very unlikely to be pathogenic (PMID:31911673).

BRCA2 exon 10 coldspot. Reclassification based on statistical prior probability.